The following is an entry in ClinVar:

NM_001374828.1(ARID1B):c.275C>G (p.Ala92Gly)

Genes: ARID1B (AT-rich interaction domain 1B; plus strand), LOC115308161 (uncharacterized LOC115308161; minus strand), LOC129997523 (ATAC-STARR-seq lymphoblastoid silent region 17710; plus strand). Cytogenetic location: 6q25.3.
Variant type: single nucleotide variant.
Coding change: c.275C>G on transcript NM_001374828.1 (MANE Select); coding-DNA position 275, C replaced by G.
Protein change: p.Ala92Gly; replaces alanine 92 with glycine.
Molecular consequence: missense variant.
Genome position (GRCh38, 1-based): chr6:156,777,955, C>G. VCF-style: chr6-156777955-C-G. GRCh37 (hg19) VCF-style: chr6-157099089-C-G.
Other names: c.26C>G, p.Ala9Gly (NM_001346813.1, NM_020732.3); c.275C>G, p.Ala92Gly (NM_001371656.1, NM_001374820.1, NM_017519.3); c.-149C>G (NM_175863.2); short protein forms A92G, A9G.
Identifiers: ClinVar variation 2629103 (VCV002629103.4), dbSNP rs867240049, ClinGen allele CA150802681.

ClinVar aggregate classification (germline): Uncertain significance. Review status: criteria provided, multiple submitters, no conflicts (2 of 4 stars). 2 submissions from 2 submitters: Uncertain significance (2). Last evaluated 2025-10-06.

Conditions:
ARID1B-Related Disorder. Identifiers: MedGen CN381337.

Allele frequency attached by ClinVar (database versions not stated): TOPMed below 0.00001.
gnomAD v4.1: 3 of 1,529,572 alleles (0.0002%); highest among the groups gnomAD compares: Non-Finnish European, 0.00026%; no homozygotes.

Submissions (2):

Labcorp Genetics (formerly Invitae), Labcorp
Classification: Uncertain significance. Last evaluated: 2025-10-06. Review status: criteria provided, single submitter. Criteria: Invitae Variant Classification Sherloc (09022015). Collection method: clinical testing. Allele origin: germline.
Comment: This sequence change replaces alanine, which is neutral and non-polar, with glycine, which is neutral and non-polar, at codon 9 of the ARID1B protein (p.Ala9Gly). This variant is not present in population databases (gnomAD no frequency). This variant has not been reported in the literature in individuals affected with ARID1B-related conditions. ClinVar contains an entry for this variant (Variation ID: 2629103). Invitae Evidence Modeling of protein sequence and biophysical properties (such as structural, functional, and spatial information, amino acid conservation, physicochemical variation, residue mobility, and thermodynamic stability) indicates that this missense variant is not expected to disrupt ARID1B protein function with a negative predictive value of 95%. In summary, the available evidence is currently insufficient to determine the role of this variant in disease. Therefore, it has been classified as a Variant of Uncertain Significance.

PreventionGenetics, part of Exact Sciences
Classification: Uncertain significance for ARID1B-related condition. Last evaluated: 2023-10-10. Review status: criteria provided, single submitter. Criteria: ACMG Guidelines, 2015. Collection method: clinical testing. Allele origin: germline.
Comment: The ARID1B c.26C>G variant is predicted to result in the amino acid substitution p.Ala9Gly. To our knowledge, this variant has not been reported in the literature or in a large population database, indicating this variant is rare. At this time, the clinical significance of this variant is uncertain due to the absence of conclusive functional and genetic evidence.